The following is an entry in ClinVar:

ClinVar aggregate classification (germline): Uncertain significance (1 of 4 stars; one submission).

Conditions:
Danon disease. Also called: ANTOPOL DISEASE; PSEUDOGLYCOGENOSIS II; GSD IIb; LYSOSOMAL GLYCOGEN STORAGE DISEASE WITHOUT ACID MALTASE DEFICIENCY; Glycogen Storage Disease Type IIb. Identifiers: Orphanet 34587, MedGen C0878677, MONDO:0010281, OMIM 300257.

Submission:

Labcorp Genetics (formerly Invitae), Labcorp
Classification: Uncertain significance for Danon disease. Last evaluated: 2025-03-07. Review status: criteria provided, single submitter. Criteria: Invitae Variant Classification Sherloc (09022015). Collection method: clinical testing. Allele origin: germline.
Comment: This sequence change replaces alanine, which is neutral and non-polar, with threonine, which is neutral and polar, at codon 220 of the LAMP2 protein (p.Ala220Thr). This variant is not present in population databases (gnomAD no frequency). This variant has not been reported in the literature in individuals affected with LAMP2-related conditions. Invitae Evidence Modeling of protein sequence and biophysical properties (such as structural, functional, and spatial information, amino acid conservation, physicochemical variation, residue mobility, and thermodynamic stability) indicates that this missense variant is not expected to disrupt LAMP2 protein function with a negative predictive value of 80%. In summary, the available evidence is currently insufficient to determine the role of this variant in disease. Therefore, it has been classified as a Variant of Uncertain Significance.

NM_002294.3(LAMP2):c.658G>A (p.Ala220Thr)

Gene: LAMP2 (lysosome associated membrane protein 2; minus strand). Cytogenetic location: Xq24.
Variant type: single nucleotide variant.
Coding change: c.658G>A on transcript NM_002294.3 (MANE Select); coding-DNA position 658, G replaced by A.
Protein change: p.Ala220Thr; replaces alanine 220 with threonine.
Molecular consequence: missense variant.
Genome position (GRCh38, 1-based): chrX:120,447,924, C>T on the plus strand (G>A on the coding strand, the complement: LAMP2 is on the minus strand). VCF-style: chrX-120447924-C-T. GRCh37 (hg19) VCF-style: chrX-119581779-C-T.
Other names: c.658G>A, p.Ala220Thr (NM_001122606.1, NM_013995.2); short protein forms A220T.
Identifiers: ClinVar variation 4811170 (VCV004811170.1).
Genomic context (GRCh38, chrX:120,447,924, plus strand): 5'-GCAGCCCCATGGTAGCCAGCAGACAAGTATCATTGCCATTATTAACTGAATAGGTTCCAG[C>T]TTCTGGTTTTTCCTTTGGAGTAGGTGTTGTAGTAGGAGATGGCACAGTGGTGTGTATGGT-3'
Protein context (NP_002285.1, residues 210-230): TTPTPKEKPE[Ala220Thr]GTYSVNNGND